The following is an entry in ClinVar:

NM_020435.4(GJC2):c.442C>A (p.Leu148Met)

Gene: GJC2 (gap junction protein gamma 2; plus strand). Cytogenetic location: 1q42.13.
Variant type: single nucleotide variant.
Coding change: c.442C>A on transcript NM_020435.4 (MANE Select); coding-DNA position 442, C replaced by A.
Protein change: p.Leu148Met; replaces leucine 148 with methionine.
Molecular consequence: missense variant.
Genome position (GRCh38, 1-based): chr1:228,158,200, C>A. VCF-style: chr1-228158200-C-A. GRCh37 (hg19) VCF-style: chr1-228345901-C-A.
Other names: short protein forms L148M.
Identifiers: ClinVar variation 2340771 (VCV002340771.4), dbSNP rs1389215352, ClinGen allele CA345097894.

ClinVar aggregate classification (germline): Uncertain significance. Review status: criteria provided, multiple submitters, no conflicts (2 of 4 stars). 2 submissions from 2 submitters: Uncertain significance (2). Last evaluated 2024-05-21.

Conditions:
Spastic paraplegia. Identifiers: MedGen C0037772, HP:0001258.
Inborn genetic diseases. Identifiers: MedGen C0950123, MeSH D030342.

Allele frequency attached by ClinVar (database versions not stated): gnomAD exomes below 0.00001.
gnomAD v4.1: 1 of 1,474,974 alleles (0.000068%); highest among the groups gnomAD compares: Non-Finnish European, 0.00009%; no homozygotes.

Submissions (2):

Labcorp Genetics (formerly Invitae), Labcorp
Classification: Uncertain significance for Spastic paraplegia. Last evaluated: 2024-05-21. Review status: criteria provided, single submitter. Criteria: Invitae Variant Classification Sherloc (09022015). Collection method: clinical testing. Allele origin: germline.
Comment: This sequence change replaces leucine, which is neutral and non-polar, with methionine, which is neutral and non-polar, at codon 148 of the GJC2 protein (p.Leu148Met). The frequency data for this variant in the population databases is considered unreliable, as metrics indicate poor data quality at this position in the gnomAD database. This variant has not been reported in the literature in individuals affected with GJC2-related conditions. ClinVar contains an entry for this variant (Variation ID: 2340771). Advanced modeling of protein sequence and biophysical properties (such as structural, functional, and spatial information, amino acid conservation, physicochemical variation, residue mobility, and thermodynamic stability) has been performed at Invitae for this missense variant, however the output from this modeling did not meet the statistical confidence thresholds required to predict the impact of this variant on GJC2 protein function. In summary, the available evidence is currently insufficient to determine the role of this variant in disease. Therefore, it has been classified as a Variant of Uncertain Significance.

Ambry Genetics
Classification: Uncertain significance for Inborn genetic diseases. Last evaluated: 2022-12-28. Review status: criteria provided, single submitter. Criteria: Ambry Variant Classification Scheme 2023. Collection method: clinical testing. Allele origin: germline.